The following is an entry in ClinVar:

NM_000051.4(ATM):c.2125-1G>T

Gene: ATM (ATM serine/threonine kinase; plus strand). Cytogenetic location: 11q22.3.
Variant type: single nucleotide variant.
Coding change: c.2125-1G>T on transcript NM_000051.4 (MANE Select); the canonical splice acceptor site of the intron before coding-DNA position 2125, G replaced by T.
Molecular consequence: splice acceptor variant.
Genome position (GRCh38, 1-based): chr11:108,256,214, G>T. VCF-style: chr11-108256214-G-T. GRCh37 (hg19) VCF-style: chr11-108126941-G-T.
Other names: c.2125-1G>T (NM_001351834.2, NM_000051.3).
Identifiers: ClinVar variation 2679704 (VCV002679704.3), dbSNP rs1402299151, ClinGen allele CA382538628.

ClinVar aggregate classification (germline): Likely pathogenic. Review status: criteria provided, multiple submitters, no conflicts (2 of 4 stars). 2 submissions from 2 submitters: Likely pathogenic (2). Last evaluated 2025-11-20.

Conditions:
Hereditary cancer-predisposing syndrome. Also called: Neoplastic Syndromes, Hereditary; Hereditary neoplastic syndrome; Tumor predisposition; Hereditary Cancer Syndrome. Identifiers: Orphanet 140162, MedGen C0027672, MeSH D009386, MONDO:0015356.
Familial cancer of breast. Also called: hereditary breast carcinoma; BREAST CANCER, FAMILIAL; Hereditary breast cancer. Identifiers: Orphanet 227535, MedGen C0346153, MONDO:0016419, OMIM 114480. Disease mechanism: loss of function.

gnomAD v4.1: 1 of 1,602,172 alleles (0.000062%); highest among the groups gnomAD compares: Non-Finnish European, 0.000085%; no homozygotes.

Submissions (2):

Ambry Genetics
Classification: Likely pathogenic for Hereditary cancer-predisposing syndrome. Last evaluated: 2025-11-20. Review status: criteria provided, single submitter. Criteria: Ambry Variant Classification Scheme 2023. Collection method: clinical testing. Allele origin: germline.
Comment: The c.2125-1G>T intronic variant results from a G to T substitution one nucleotide upstream from coding exon 13 of the ATM gene. This nucleotide position is highly conserved in available vertebrate species. Alterations that disrupt the canonical splice site are expected to cause aberrant splicing, resulting in an abnormal protein or a transcript that is subject to nonsense-mediated mRNA decay. In silico splice site analysis predicts that this alteration will weaken the native splice acceptor site and will result in the creation or strengthening of a novel splice acceptor site. RNA studies have demonstrated that this alteration results in abnormal splicing in the set of samples tested (Ambry internal data). As such, this alteration is classified as likely pathogenic.

Baylor Genetics
Classification: Likely pathogenic for Familial cancer of breast. Last evaluated: 2023-06-29. Review status: criteria provided, single submitter. Criteria: ACMG Guidelines, 2015. Collection method: clinical testing. Allele origin: unknown.